The following is an entry in ClinVar:

ClinVar aggregate classification (germline): Uncertain significance (1 of 4 stars; one submission).

Allele frequency attached by ClinVar (database versions not stated): TOPMed below 0.00001.
gnomAD v4.1: 12 of 1,611,528 alleles (0.00074%); highest among the groups gnomAD compares: Middle Eastern, 0.017%; no homozygotes.

Submission:

Labcorp Genetics (formerly Invitae), Labcorp
Classification: Uncertain significance. Last evaluated: 2025-10-14. Review status: criteria provided, single submitter. Criteria: Invitae Variant Classification Sherloc (09022015). Collection method: clinical testing. Allele origin: germline.
Comment: This sequence change replaces leucine, which is neutral and non-polar, with proline, which is neutral and non-polar, at codon 1163 of the ERBB4 protein (p.Leu1163Pro). This variant is present in population databases (rs768312275, gnomAD 0.002%). This variant has not been reported in the literature in individuals affected with ERBB4-related conditions. ClinVar contains an entry for this variant (Variation ID: 2877915). An algorithm developed to predict the effect of missense changes on protein structure and function (PolyPhen-2) suggests that this variant is likely to be tolerated. In summary, the available evidence is currently insufficient to determine the role of this variant in disease. Therefore, it has been classified as a Variant of Uncertain Significance.

NM_005235.3(ERBB4):c.3488T>C (p.Leu1163Pro)

Gene: ERBB4 (erb-b2 receptor tyrosine kinase 4; minus strand). Cytogenetic location: 2q34.
Variant type: single nucleotide variant.
Coding change: c.3488T>C on transcript NM_005235.3 (MANE Select); coding-DNA position 3488, T replaced by C.
Protein change: p.Leu1163Pro; replaces leucine 1163 with proline.
Molecular consequence: missense variant.
Genome position (GRCh38, 1-based): chr2:211,384,054, A>G on the plus strand (T>C on the coding strand, the complement: ERBB4 is on the minus strand). VCF-style: chr2-211384054-A-G. GRCh37 (hg19) VCF-style: chr2-212248779-A-G.
Other names: c.3440T>C, p.Leu1147Pro (NM_001042599.2); short protein forms L1163P, L1147P.
Identifiers: ClinVar variation 2877915 (VCV002877915.3), dbSNP rs768312275, ClinGen allele CA2087410.